The following is an entry in ClinVar:

ClinVar aggregate classification (germline): Uncertain significance (1 of 4 stars; one submission).

Conditions:
Retinoblastoma (RB1). Also called: RETINOBLASTOMA, SOMATIC. Identifiers: Orphanet 790, MedGen C0035335, MeSH D012175, MONDO:0008380, OMIM 180200, HP:0009919. Disease mechanism: loss of function. Inheritance: Both sporadic and heritable forms are tested..

Submission:

Labcorp Genetics (formerly Invitae), Labcorp
Classification: Uncertain significance for Retinoblastoma. Last evaluated: 2022-01-28. Review status: criteria provided, single submitter. Criteria: Invitae Variant Classification Sherloc (09022015). Collection method: clinical testing. Allele origin: germline.
Comment: In summary, the available evidence is currently insufficient to determine the role of this variant in disease. Therefore, it has been classified as a Variant of Uncertain Significance. Advanced modeling of protein sequence and biophysical properties (such as structural, functional, and spatial information, amino acid conservation, physicochemical variation, residue mobility, and thermodynamic stability) performed at Invitae indicates that this missense variant is expected to disrupt RB1 protein function. This variant has not been reported in the literature in individuals affected with RB1-related conditions. This variant is not present in population databases (gnomAD no frequency). This sequence change replaces glycine, which is neutral and non-polar, with arginine, which is basic and polar, at codon 423 of the RB1 protein (p.Gly423Arg).

NM_000321.3(RB1):c.1267G>A (p.Gly423Arg)

Gene: RB1 (RB transcriptional corepressor 1; plus strand). Cytogenetic location: 13q14.2.
Variant type: single nucleotide variant.
Coding change: c.1267G>A on transcript NM_000321.3 (MANE Select); coding-DNA position 1267, G replaced by A.
Protein change: p.Gly423Arg; replaces glycine 423 with arginine.
Molecular consequence: missense variant.
Genome position (GRCh38, 1-based): chr13:48,376,969, G>A. VCF-style: chr13-48376969-G-A. GRCh37 (hg19) VCF-style: chr13-48951105-G-A.
Other names: short protein forms G423R.
Identifiers: ClinVar variation 1405575 (VCV001405575.9), dbSNP rs2138136425, ClinGen allele CA388162048.
Genomic context (GRCh38, chr13:48,376,969, plus strand): 5'-CTCCTAAAGAACTGCACAGTGAATCCAAAAGAAAGTATACTGAAAAGAGTGAAGGATATA[G>A]GATACATCTTTAAAGAGAAATTTGCTAAAGCTGTGGGACAGGGTTGTGTCGAAATTGGAT-3'
Protein context (NP_000312.2, residues 413-433): ESILKRVKDI[Gly423Arg]YIFKEKFAKA